The following is an entry in ClinVar:

NM_001267550.2(TTN):c.73443C>A (p.Tyr24481Ter)

Genes: TTN-AS1 (TTN antisense RNA 1; plus strand), TTN (titin; minus strand). Cytogenetic location: 2q31.2.
Variant type: single nucleotide variant.
Coding change: c.73443C>A on transcript NM_001267550.2 (MANE Select); coding-DNA position 73443, C replaced by A.
Protein change: p.Tyr24481Ter; replaces tyrosine 24481 with a stop codon.
Molecular consequence: nonsense.
Genome position (GRCh38, 1-based): chr2:178,572,689, G>T on the plus strand (C>A on the coding strand, the complement: TTN is on the minus strand). VCF-style: chr2-178572689-G-T. GRCh37 (hg19) VCF-style: chr2-179437416-G-T.
Other names: c.68520C>A, p.Tyr22840Ter (NM_001256850.1); c.46248C>A, p.Tyr15416Ter (NM_003319.4); c.65739C>A, p.Tyr21913Ter (NM_133378.4); c.46623C>A, p.Tyr15541Ter (NM_133432.3); c.46824C>A, p.Tyr15608Ter (NM_133437.4); short protein forms Y22840*, Y24481*, Y21913*, Y15541*, Y15416*, Y15608*.
Identifiers: ClinVar variation 389537 (VCV000389537.2), dbSNP rs1057523460, ClinGen allele CA16604000.

ClinVar aggregate classification (germline): Pathogenic (1 of 4 stars; one submission).

Submission:

GeneDx
Classification: Pathogenic. Last evaluated: 2018-12-07. Review status: criteria provided, single submitter. Criteria: GeneDx Variant Classification (06012015). Collection method: clinical testing. Allele origin: germline. Affected: yes.
Comment: The Y22840X likely pathogenic variant in the TTN gene has not been reported previously as a disease-causing pathogenic variant or as a benign variant, to our knowledge. Y22840X is predicted to cause loss of normal protein function either due to production of an abnormal, prematurely truncated protein, or by absence of protein product due to nonsense mediated mRNA decay. Other truncating TTN variants have been reported in approximately 3% of control alleles (Herman et al., 2012). However, Y22840X is located in the A-band region of titin, where the majority of truncating pathogenic variants associated with DCM have been reported (Herman et al., 2012). Furthermore, Y22840X was not observed in approximately 6,000 individuals of European and African American ancestry in the NHLBI Exome Sequencing Project, indicating it is not a common benign variant in these populations.In summary, Y22840X in the TTN gene is expected to be pathogenic.